The following is an entry in ClinVar:

ClinVar aggregate classification (germline): Uncertain significance (1 of 4 stars; one submission).

Conditions:
Immunodeficiency. Identifiers: MedGen C0021051, MONDO:0021094, HP:0002721.

Allele frequency attached by ClinVar (database versions not stated): ExAC 0.00002; gnomAD exomes 0.00002 and 0.00005.
gnomAD v4.1: 65 of 1,613,092 alleles (0.004%); highest among the groups gnomAD compares: Non-Finnish European, 0.0052%; no homozygotes.

Submission:

Labcorp Genetics (formerly Invitae), Labcorp
Classification: Uncertain significance for Immunodeficiency. Last evaluated: 2024-11-27. Review status: criteria provided, single submitter. Criteria: Invitae Variant Classification Sherloc (09022015). Collection method: clinical testing. Allele origin: germline.
Comment: This sequence change replaces glycine, which is neutral and non-polar, with serine, which is neutral and polar, at codon 295 of the NFAT5 protein (p.Gly295Ser). This variant is present in population databases (rs759928002, gnomAD 0.007%). This variant has not been reported in the literature in individuals affected with NFAT5-related conditions. ClinVar contains an entry for this variant (Variation ID: 641918). An algorithm developed to predict the effect of missense changes on protein structure and function (PolyPhen-2) suggests that this variant is likely to be disruptive. In summary, the available evidence is currently insufficient to determine the role of this variant in disease. Therefore, it has been classified as a Variant of Uncertain Significance.

NM_138713.4(NFAT5):c.1165G>A (p.Gly389Ser)

Gene: NFAT5 (nuclear factor of activated T cells 5; plus strand). Cytogenetic location: 16q22.1.
Variant type: single nucleotide variant.
Coding change: c.1165G>A on transcript NM_138713.4 (MANE Select); coding-DNA position 1165, G replaced by A.
Protein change: p.Gly389Ser; replaces glycine 389 with serine.
Molecular consequence: missense variant.
Genome position (GRCh38, 1-based): chr16:69,655,768, G>A. VCF-style: chr16-69655768-G-A. GRCh37 (hg19) VCF-style: chr16-69689671-G-A.
Other names: c.1165G>A, p.Gly389Ser (NM_001113178.3, LRG_1332t1); c.493G>A, p.Gly165Ser (NM_001367709.1); c.1111G>A, p.Gly371Ser (NM_006599.4); c.883G>A, p.Gly295Ser (NM_138714.4, NM_173214.3, NM_173215.3); short protein forms G165S, G295S, G371S, G389S.
Identifiers: ClinVar variation 641918 (VCV000641918.10), dbSNP rs759928002, ClinGen allele CA8135468.